The following is an entry in ClinVar:

NM_000452.3(SLC10A2):c.413T>G (p.Leu138Arg)

Gene: SLC10A2 (solute carrier family 10 member 2; minus strand). Cytogenetic location: 13q33.1.
Variant type: single nucleotide variant.
Coding change: c.413T>G on transcript NM_000452.3 (MANE Select); coding-DNA position 413, T replaced by G.
Protein change: p.Leu138Arg; replaces leucine 138 with arginine.
Molecular consequence: missense variant.
Genome position (GRCh38, 1-based): chr13:103,058,347, A>C on the plus strand (T>G on the coding strand, the complement: SLC10A2 is on the minus strand). VCF-style: chr13-103058347-A-C. GRCh37 (hg19) VCF-style: chr13-103710697-A-C.
Other names: short protein forms L138R.
Identifiers: ClinVar variation 1974580 (VCV001974580.5), dbSNP rs202184362, ClinGen allele CA7042231.

ClinVar aggregate classification (germline): Uncertain significance (1 of 4 stars; one submission).

gnomAD v4.1: 19 of 1,613,848 alleles (0.0012%); highest among the groups gnomAD compares: Middle Eastern, 0.066%; no homozygotes.

Submission:

Labcorp Genetics (formerly Invitae), Labcorp
Classification: Uncertain significance. Last evaluated: 2025-09-08. Review status: criteria provided, single submitter. Criteria: Invitae Variant Classification Sherloc (09022015). Collection method: clinical testing. Allele origin: germline.
Comment: This sequence change replaces leucine, which is neutral and non-polar, with arginine, which is basic and polar, at codon 138 of the SLC10A2 protein (p.Leu138Arg). This variant is present in population databases (rs202184362, gnomAD 0.01%). This variant has not been reported in the literature in individuals affected with SLC10A2-related conditions. ClinVar contains an entry for this variant (Variation ID: 1974580). Invitae Evidence Modeling of protein sequence and biophysical properties (such as structural, functional, and spatial information, amino acid conservation, physicochemical variation, residue mobility, and thermodynamic stability) indicates that this missense variant is expected to disrupt SLC10A2 protein function with a positive predictive value of 80%. In summary, the available evidence is currently insufficient to determine the role of this variant in disease. Therefore, it has been classified as a Variant of Uncertain Significance.